The following is an entry in ClinVar:

ClinVar aggregate classification (germline): Uncertain significance (1 of 4 stars; one submission).

Conditions:
3-Methylglutaconic aciduria type 3 (MGCA3). Also called: OPA3, AUTOSOMAL RECESSIVE; OPTIC ATROPHY 3, AUTOSOMAL RECESSIVE; OPA3-Related 3-Methylglutaconic Aciduria; Costeff Syndrome. Identifiers: Orphanet 67047, MedGen C0574084, MONDO:0009787, OMIM 258501.
Optic atrophy 3 (OPA3). Also called: OPTIC ATROPHY 3, AUTOSOMAL DOMINANT; Optic atrophy, cataract, and neurologic disorder; Optic atrophy 3 with cataract. Identifiers: Orphanet 67036, MedGen C1833809, MONDO:0008133, OMIM 165300.

Submission:

Labcorp Genetics (formerly Invitae), Labcorp
Classification: Uncertain significance for 3-Methylglutaconic aciduria type 3; Optic atrophy 3. Last evaluated: 2023-12-02. Review status: criteria provided, single submitter. Criteria: Invitae Variant Classification Sherloc (09022015). Collection method: clinical testing. Allele origin: germline.
Comment: This sequence change replaces methionine, which is neutral and non-polar, with threonine, which is neutral and polar, at codon 8 of the OPA3 protein (p.Met8Thr). This variant is not present in population databases (gnomAD no frequency). This missense change has been observed in individuals with OPA3-related conditions (PMID: 31119193; Invitae). It has also been observed to segregate with disease in related individuals. An algorithm developed to predict the effect of missense changes on protein structure and function (PolyPhen-2) suggests that this variant is likely to be tolerated. In summary, the available evidence is currently insufficient to determine the role of this variant in disease. Therefore, it has been classified as a Variant of Uncertain Significance.

Literature cited by the submitters: PubMed 31119193.

NM_025136.4(OPA3):c.23T>C (p.Met8Thr)

Genes: OPA3-RTN2 (OPA3-RTN2 readthrough; minus strand), OPA3 (outer mitochondrial membrane lipid metabolism regulator OPA3; minus strand), LOC130064709 (ATAC-STARR-seq lymphoblastoid active region 14802; plus strand). Cytogenetic location: 19q13.32.
Variant type: single nucleotide variant.
Coding change: c.23T>C on transcript NM_025136.4 (MANE Select); coding-DNA position 23, T replaced by C.
Protein change: p.Met8Thr; replaces methionine 8 with threonine.
Molecular consequence: missense variant.
Genome position (GRCh38, 1-based): chr19:45,584,742, A>G on the plus strand (T>C on the coding strand, the complement: OPA3 is on the minus strand). VCF-style: chr19-45584742-A-G. GRCh37 (hg19) VCF-style: chr19-46088000-A-G.
Other names: c.23T>C, p.Met8Thr (NM_001017989.3); short protein forms M8T.
Identifiers: ClinVar variation 2931858 (VCV002931858.3), dbSNP rs1969908071, ClinGen allele CA406378986.